The following is an entry in ClinVar:

NM_004168.4(SDHA):c.26G>A (p.Arg9Gln)

Gene: SDHA (succinate dehydrogenase complex flavoprotein subunit A; plus strand). Cytogenetic location: 5p15.33.
Variant type: single nucleotide variant.
Coding change: c.26G>A on transcript NM_004168.4 (MANE Select); coding-DNA position 26, G replaced by A.
Protein change: p.Arg9Gln; replaces arginine 9 with glutamine.
Molecular consequence: missense variant.
Genome position (GRCh38, 1-based): chr5:218,381, G>A. VCF-style: chr5-218381-G-A. GRCh37 (hg19) VCF-style: chr5-218496-G-A.
Other names: c.26G>A, p.Arg9Gln (NM_001294332.2, NM_001330758.2); short protein forms R9Q.
Identifiers: ClinVar variation 570779 (VCV000570779.10), dbSNP rs761508577, ClinGen allele CA359007303.

ClinVar aggregate classification (germline): Uncertain significance (1 of 4 stars; one submission).

Conditions:
Mitochondrial complex II deficiency, nuclear type 1. Also called: SUCCINATE CoQ REDUCTASE DEFICIENCY. Identifiers: Orphanet 3208, MedGen C5700310, MONDO:0100294, OMIM 252011.
Pheochromocytoma/paraganglioma syndrome 5. Also called: Paragangliomas 5; SDHA-Related Hereditary Paraganglioma-Pheochromocytoma Syndrome. Identifiers: Orphanet 29072, MedGen C3279992, MONDO:0013602, OMIM 614165.

Submission:

Labcorp Genetics (formerly Invitae), Labcorp
Classification: Uncertain significance for Pheochromocytoma/paraganglioma syndrome 5; Mitochondrial complex II deficiency, nuclear type 1. Last evaluated: 2025-03-27. Review status: criteria provided, single submitter. Criteria: Invitae Variant Classification Sherloc (09022015). Collection method: clinical testing. Allele origin: germline.
Comment: This sequence change replaces arginine, which is basic and polar, with glutamine, which is neutral and polar, at codon 9 of the SDHA protein (p.Arg9Gln). This variant is not present in population databases (gnomAD no frequency). This variant has not been reported in the literature in individuals affected with SDHA-related conditions. ClinVar contains an entry for this variant (Variation ID: 570779). Invitae Evidence Modeling of protein sequence and biophysical properties (such as structural, functional, and spatial information, amino acid conservation, physicochemical variation, residue mobility, and thermodynamic stability) indicates that this missense variant is not expected to disrupt SDHA protein function with a negative predictive value of 95%. In summary, the available evidence is currently insufficient to determine the role of this variant in disease. Therefore, it has been classified as a Variant of Uncertain Significance.